The following is an entry in ClinVar:

NM_144997.7(FLCN):c.214del (p.Ser72fs)

Gene: FLCN (folliculin; minus strand). Cytogenetic location: 17p11.2.
Variant type: Deletion.
Coding change: c.214del on transcript NM_144997.7 (MANE Select); coding-DNA position 214, one base deleted (A; older notation c.214delA).
Protein change: p.Ser72fs; shifts the reading frame from serine 72.
Molecular consequence: frameshift variant.
Genome position (GRCh38, 1-based): chr17:17,227,924, T deleted on the plus strand (A on the coding strand, the reverse complement: FLCN is on the minus strand). VCF-style (leftmost placement, unchanged base first): chr17-17227923-CT-C. GRCh37 (hg19) VCF-style: chr17-17131237-CT-C.
Other names: c.214del (LRG_325t1); c.214del, p.Ser72fs (NM_001353229.2, NM_001353230.2, NM_001353231.2 and 1 more transcripts); short protein forms S72fs.
Identifiers: ClinVar variation 428636 (VCV000428636.6), dbSNP rs1131690824, ClinGen allele CA645369707.

ClinVar aggregate classification (germline): Pathogenic. Review status: criteria provided, multiple submitters, no conflicts (2 of 4 stars). 2 submissions from 2 submitters: Pathogenic (2). Last evaluated 2023-03-30.

Conditions:
FLCN-related disorders.
Hereditary cancer-predisposing syndrome. Also called: Tumor predisposition; Hereditary Cancer Syndrome; Hereditary neoplastic syndrome; Neoplastic Syndromes, Hereditary. Identifiers: Orphanet 140162, MedGen C0027672, MeSH D009386, MONDO:0015356.

Allele frequency attached by ClinVar (database versions not stated): gnomAD exomes below 0.00001.

Submissions (2):

Blueprint Genetics
Classification: Pathogenic for FLCN-related disorders. Last evaluated: 2023-03-30. Review status: criteria provided, single submitter. Criteria: ACMG Guidelines, 2015. Collection method: clinical testing. Allele origin: germline. Affected: yes. Observed: 1 variant allele.

Ambry Genetics
Classification: Pathogenic for Hereditary cancer-predisposing syndrome. Last evaluated: 2014-07-07. Review status: criteria provided, single submitter. Criteria: Ambry Variant Classification Scheme 2023. Collection method: clinical testing. Allele origin: germline.
Comment: The c.214delA pathogenic mutation, located in coding exon 1 of the FLCN gene, results from a deletion of one nucleotide at nucleotide position 214, causing a translational frameshift with a predicted alternate stop codon. Since frameshifts are typically deleterious in nature, this alteration is interpreted as a disease-causing mutation (ACMG Recommendations for Standards for Interpretation and Reporting of Sequence Variations. Revision 2007. Genet Med. 2008;10:294).